The following is an entry in ClinVar:

NM_000059.4(BRCA2):c.1341A>G (p.Pro447=)

Gene: BRCA2 (BRCA2 DNA repair associated; plus strand). Cytogenetic location: 13q13.1.
Variant type: single nucleotide variant.
Coding change: c.1341A>G on transcript NM_000059.4 (MANE Select); coding-DNA position 1341, A replaced by G.
Protein change: p.Pro447=; no amino-acid change (proline 447 retained).
Molecular consequence: synonymous variant.
Genome position (GRCh38, 1-based): chr13:32,332,819, A>G. VCF-style: chr13-32332819-A-G. GRCh37 (hg19) VCF-style: chr13-32906956-A-G.
Identifiers: ClinVar variation 388071 (VCV000388071.16), dbSNP rs1004086504, ClinGen allele CA16606662.

ClinVar aggregate classification (germline): Likely benign. Review status: criteria provided, multiple submitters, no conflicts (2 of 4 stars). 4 submissions from 4 submitters: Likely benign (4). Last evaluated 2024-12-22.

Conditions:
Hereditary breast ovarian cancer syndrome. Also called: Hereditary breast and ovarian cancer syndrome; BRCA1- and BRCA2-Associated Hereditary Breast and Ovarian Cancer; Hereditary breast and ovarian cancer; Hereditary breast and/or ovarian cancer syndrome; Hereditary breast and ovarian cancer syndrome (HBOC); Breast and ovarian cancer. Identifiers: Orphanet 145, MedGen C0677776, MeSH D061325, MONDO:0003582. Disease mechanism: loss of function.
Hereditary cancer-predisposing syndrome. Also called: Hereditary Cancer Syndrome; Hereditary neoplastic syndrome; Neoplastic Syndromes, Hereditary; Tumor predisposition. Identifiers: Orphanet 140162, MedGen C0027672, MeSH D009386, MONDO:0015356.

Allele frequency attached by ClinVar (database versions not stated): gnomAD exomes below 0.00001.
gnomAD v4.1: 1 of 1,611,470 alleles (0.000062%); highest among the groups gnomAD compares: Non-Finnish European, 0.000085%; no homozygotes.

Submissions (4):

Labcorp Genetics (formerly Invitae), Labcorp
Classification: Likely benign for Hereditary breast ovarian cancer syndrome. Last evaluated: 2024-12-22. Review status: criteria provided, single submitter. Criteria: Invitae Variant Classification Sherloc (09022015). Collection method: clinical testing. Allele origin: germline.

Ambry Genetics
Classification: Likely benign for Hereditary cancer-predisposing syndrome. Last evaluated: 2017-11-14. Review status: criteria provided, single submitter. Criteria: Ambry Variant Classification Scheme 2023. Collection method: clinical testing. Allele origin: germline.

Color Diagnostics, LLC DBA Color Health
Classification: Likely benign for Hereditary cancer-predisposing syndrome. Last evaluated: 2017-07-25. Review status: criteria provided, single submitter. Criteria: ACMG Guidelines, 2015. Collection method: clinical testing. Allele origin: germline.

GeneDx
Classification: Likely benign. Last evaluated: 2016-07-22. Review status: criteria provided, single submitter. Criteria: GeneDx Variant Classification (06012015). Collection method: clinical testing. Allele origin: germline. Affected: yes.
Comment: This variant is considered likely benign or benign based on one or more of the following criteria: it is a conservative change, it occurs at a poorly conserved position in the protein, it is predicted to be benign by multiple in silico algorithms, and/or has population frequency not consistent with disease.